The following is an entry in ClinVar:

ClinVar aggregate classification (germline): Pathogenic. Review status: reviewed by expert panel (3 of 4 stars). 15 submissions from 15 submitters: Pathogenic (1). 14 of the submissions do not count toward it. Last evaluated 2016-09-08.

Conditions:
Hereditary cancer-predisposing syndrome. Also called: Tumor predisposition; Neoplastic Syndromes, Hereditary; Hereditary neoplastic syndrome; Hereditary Cancer Syndrome. Identifiers: Orphanet 140162, MedGen C0027672, MeSH D009386, MONDO:0015356.
Hereditary breast ovarian cancer syndrome. Also called: Hereditary breast and ovarian cancer; Hereditary breast and ovarian cancer syndrome (HBOC); Hereditary breast and/or ovarian cancer syndrome; Breast and ovarian cancer; Hereditary breast and ovarian cancer syndrome; BRCA1- and BRCA2-Associated Hereditary Breast and Ovarian Cancer. Identifiers: Orphanet 145, MedGen C0677776, MeSH D061325, MONDO:0003582. Disease mechanism: loss of function.
Breast-ovarian cancer, familial, susceptibility to, 2 (BROVCA2). Also called: BRCA2 Hereditary Breast and Ovarian Cancer. Identifiers: Orphanet 145, MedGen C2675520, MONDO:0012933, OMIM 612555. Disease mechanism: loss of function.
Familial cancer of breast. Also called: Hereditary breast cancer; BREAST CANCER, FAMILIAL; hereditary breast carcinoma. Identifiers: Orphanet 227535, MedGen C0346153, MONDO:0016419, OMIM 114480. Disease mechanism: loss of function.

Submissions (15):

Evidence-based Network for the Interpretation of Germline Mutant Alleles (ENIGMA)
Classification: Pathogenic for Breast-ovarian cancer, familial, susceptibility to, 2. Last evaluated: 2016-09-08. Review status: reviewed by expert panel. Criteria: ENIGMA BRCA1/2 Classification Criteria (2015). Collection method: curation. Allele origin: germline.
Comment: Variant allele predicted to encode a truncated non-functional protein.

Labcorp Genetics (formerly Invitae), Labcorp
Classification: Pathogenic for Hereditary breast ovarian cancer syndrome. Last evaluated: 2025-11-18. Review status: criteria provided, single submitter. Criteria: Invitae Variant Classification Sherloc (09022015). Collection method: clinical testing. Allele origin: germline. Not counted in ClinVar's aggregate classification.
Comment: This sequence change creates a premature translational stop signal (p.Gly173Valfs*12) in the BRCA2 gene. It is expected to result in an absent or disrupted protein product. Loss-of-function variants in BRCA2 are known to be pathogenic (PMID: 20104584). This variant is present in population databases (rs80359492, gnomAD 0.01%). This premature translational stop signal has been observed in individual(s) with breast cancer (PMID: 25452441). This variant is also known as c.517-1_517-1delG. ClinVar contains an entry for this variant (Variation ID: 37949). RNA analysis performed to evaluate the impact of this premature translational stop signal on mRNA splicing indicates it does not significantly alter splicing (internal data). For these reasons, this variant has been classified as Pathogenic.

Ambry Genetics
Classification: Pathogenic for Hereditary cancer-predisposing syndrome. Last evaluated: 2025-03-18. Review status: criteria provided, single submitter. Criteria: Ambry Variant Classification Scheme 2023. Collection method: clinical testing. Allele origin: germline. Not counted in ClinVar's aggregate classification.
Comment: The c.518delG pathogenic mutation, located in coding exon 6 of the BRCA2 gene, results from a deletion of one nucleotide at nucleotide position 518, causing a translational frameshift with a predicted alternate stop codon (p.G173Vfs*12). This mutation (designated as c.517-1_517-1delG and 746delG in published literature) has been reported in multiple patients with breast cancer, including male breast cancer patients (Couch FJ et al. J. Clin. Oncol. 2015 Feb;33:304-11; Churpek JE et al. Breast Cancer Res. Treat. 2015 Jan;149:31-9; Pritzlaff M et al. Breast Cancer Res Treat. 2017 Feb;161(3):575-586). In addition to the clinical data presented in the literature, this alteration is expected to result in loss of function by premature protein truncation or nonsense-mediated mRNA decay. As such, this alteration is interpreted as a disease-causing mutation.

Color Diagnostics, LLC DBA Color Health
Classification: Pathogenic for Hereditary cancer-predisposing syndrome. Last evaluated: 2024-06-17. Review status: criteria provided, single submitter. Criteria: ACMG Guidelines, 2015. Collection method: clinical testing. Allele origin: germline. Not counted in ClinVar's aggregate classification.
Comment: This variant deletes 1 nucleotide in exon 7 of the BRCA2 gene, creating a frameshift and premature translation stop signal. This variant is expected to result in an absent or non-functional protein product. The variant has also been described as c.746delG and c.517-1_517-1delG. This variant has been identified in 1/31394 chromosomes in the general population by the Genome Aggregation Database (gnomAD). Loss of BRCA2 function is a known mechanism of disease. Based on the available evidence, this variant is classified as Pathogenic.

GeneDx
Classification: Pathogenic. Last evaluated: 2024-03-20. Review status: criteria provided, single submitter. Criteria: GeneDx Variant Classification Process June 2021. Collection method: clinical testing. Allele origin: germline. Affected: yes. Not counted in ClinVar's aggregate classification.
Comment: Frameshift variant predicted to result in protein truncation or nonsense mediated decay in a gene for which loss-of-function is a known mechanism of disease; Not observed at significant frequency in large population cohorts (gnomAD); Truncating variants in this gene are considered pathogenic by a well-established clinical consortium and/or database; Observed in individuals with a personal or family history consistent with pathogenic variants in this gene (PMID: 25428789, 28008555, 32782288); Also known as 746delG; This variant is associated with the following publications: (PMID: 25428789, 23983145, 25452441, 28008555, 30720243, 32393813, 30787465, 32782288)

Baylor Genetics
Classification: Pathogenic for Familial cancer of breast. Last evaluated: 2023-12-03. Review status: criteria provided, single submitter. Criteria: ACMG Guidelines, 2015. Collection method: clinical testing. Allele origin: unknown. Not counted in ClinVar's aggregate classification.

St. Jude Molecular Pathology, St. Jude Children's Research Hospital
Classification: Pathogenic for Breast-ovarian cancer, familial, susceptibility to, 2. Last evaluated: 2023-09-05. Review status: criteria provided, single submitter. Criteria: St. Jude Assertion Criteria 2020. Collection method: clinical testing. Allele origin: germline. Not counted in ClinVar's aggregate classification.
Comment: The BRCA2 c.518del (p.Gly173Valfs*12) change causes a frameshift and the creation of a premature stop codon. This change is predicted to cause protein truncation or absence of the protein due to nonsense mediated decay. It has a maximum subpopulation frequency of 0.012% in gnomAD v2.1.1. This variant has been reported in individuals with breast cancer (PMID: 18284688, 25428789, 25452441, 28008555, 32782288). This variant is absent in the FLOSSIES database, which contains genetic variants from women older than 70 years of age who have never had cancer. This variant is also known as c.517-1del and c.746del in the literature. In summary, this variant meets criteria to be classified as pathogenic.

Laboratory for Molecular Medicine, Mass General Brigham Personalized Medicine
Classification: Pathogenic for Hereditary breast ovarian cancer syndrome. Last evaluated: 2021-07-15. Review status: criteria provided, single submitter. Criteria: ACMG Guidelines, 2015. Collection method: clinical testing. Allele origin: germline. Not counted in ClinVar's aggregate classification.
Comment: This variant has also been reported by other clinical laboratories in ClinVar (Variation ID: 37949) and has been identified in 0.005% (2/41454) of African/African American chromosomes by gnomAD (v.31). This frequency is low enough to be consistent with the frequency of hereditary breast and ovarian cancer (HBOC) in the general population. This variant is predicted to cause a frameshift, which alters the protein’s amino acid sequence beginning at position 173 and leads to a premature termination codon 12 amino acids downstream. This alteration is then predicted to lead to a truncated or absent protein. Heterozygous loss of function of the BRCA2 gene is an established disease mechanism for HBOC. Additionally, this variant was classified as pathogenic on Sep 13, 2016 by the ClinGen-approved ENIGMA expert panel (ClinVar SCV000300330.2). In summary, this variant meets criteria to be classified as pathogenic for autosomal dominant HBOC. ACMG/AMP criteria applied: PS4_supporting, PM2_Supporting, PVS1.

Women's Health and Genetics/Laboratory Corporation of America, LabCorp
Classification: Pathogenic for Hereditary breast and ovarian cancer syndrome. Last evaluated: 2020-10-02. Review status: criteria provided, single submitter. Criteria: LabCorp Variant Classification Summary - May 2015. Collection method: clinical testing. Allele origin: germline. Not counted in ClinVar's aggregate classification.
Comment: Variant summary: BRCA2 c.518delG (p.Gly173ValfsX12) results in a premature termination codon, predicted to cause a truncation of the encoded protein or absence of the protein due to nonsense mediated decay, which are commonly known mechanisms for disease. Truncations downstream of this position have been classified as pathogenic by our laboratory. 4/4 computational tools predict no significant impact on normal splicing. However, these predictions have yet to be confirmed by functional studies. The variant was absent in 251306 control chromosomes. c.518delG has been reported in the literature in individuals affected with Hereditary Breast And Ovarian Cancer Syndrome (Lee 2008, Churpek 2014, Couch 2015, Pritzlaff 2017). These data indicate that the variant is likely to be associated with disease. Eight clinical diagnostic laboratories have submitted clinical-significance assessments for this variant to ClinVar after 2014 without evidence for independent evaluation. All laboratories classified the variant as pathogenic. Based on the evidence outlined above, the variant was classified as pathogenic.

Quest Diagnostics Nichols Institute San Juan Capistrano
Classification: Pathogenic. Last evaluated: 2017-07-19. Review status: criteria provided, single submitter. Criteria: Quest Diagnostics criteria. Collection method: clinical testing. Allele origin: germline. Not counted in ClinVar's aggregate classification.

Consortium of Investigators of Modifiers of BRCA1/2 (CIMBA), c/o University of Cambridge
Classification: Pathogenic for Breast-ovarian cancer, familial, susceptibility to, 2. Last evaluated: 2015-10-02. Review status: criteria provided, single submitter. Criteria: CIMBA Mutation Classification guidelines May 2016. Collection method: clinical testing. Allele origin: germline. Not counted in ClinVar's aggregate classification.

Counsyl
Classification: Pathogenic for Breast-ovarian cancer, familial, susceptibility to, 2. Last evaluated: 2017-01-03. Review status: no assertion criteria provided. Collection method: clinical testing. Allele origin: unknown. Not counted in ClinVar's aggregate classification.

Research Molecular Genetics Laboratory, Women's College Hospital, University of Toronto
Classification: Pathogenic for Hereditary breast ovarian cancer syndrome. Last evaluated: 2014-01-31. Review status: no assertion criteria provided. Collection method: research. Allele origin: germline. Affected: yes. Study: The Canadian Open Genetics Repository (COGR). Not counted in ClinVar's aggregate classification.

Sharing Clinical Reports Project (SCRP)
Classification: Pathogenic for Breast-ovarian cancer, familial 2. Last evaluated: 2011-09-26. Review status: no assertion criteria provided. Collection method: clinical testing. Allele origin: germline. Not counted in ClinVar's aggregate classification.

Breast Cancer Information Core (BIC) (BRCA2)
Classification: Pathogenic for Breast-ovarian cancer, familial 2. Last evaluated: 2002-05-29. Review status: no assertion criteria provided. Collection method: clinical testing. Allele origin: germline. Affected: yes. Observed: 1 variant allele. Not counted in ClinVar's aggregate classification.

Literature cited by the submitters: PubMed 20104584 (cited by Labcorp Genetics (formerly Invitae), Labcorp); PubMed 25452441 (cited by 6 submitters); PubMed 25428789 (cited by 4 submitters); PubMed 28008555 (cited by 4 submitters); PubMed 18284688 (cited by Laboratory for Molecular Medicine, Mass General Brigham Personalized Medicine and Women's Health and Genetics/Laboratory Corporation of America, LabCorp); PubMed 23983145 (cited by 3 submitters); PubMed 26761715 (cited by Women's Health and Genetics/Laboratory Corporation of America, LabCorp).

NM_000059.4(BRCA2):c.518del (p.Gly173Valfs)

Gene: BRCA2 (BRCA2 DNA repair associated; plus strand). Cytogenetic location: 13q13.1.
Variant type: Deletion.
Coding change: c.518del on transcript NM_000059.4 (MANE Select); coding-DNA position 518, one base deleted (G; older notation c.518delG).
Protein change: p.Gly173Valfs; shifts the reading frame from glycine 173.
Molecular consequence: splice acceptor variant.
Genome position (GRCh38, 1-based): chr13:32,326,500, G deleted; the last of 3 consecutive G bases (chr13:32,326,498-32,326,500); deleting any one gives the same sequence. VCF-style (leftmost placement, unchanged base first): chr13-32326497-AG-A. GRCh37 (hg19) VCF-style: chr13-32900634-AG-A.
Other names: 746delG; c.518delG (NM_000059.3).
Identifiers: ClinVar variation 37949 (VCV000037949.73), dbSNP rs80359492, ClinGen allele CA021628.